The following is an entry in ClinVar:

ClinVar aggregate classification (germline): Likely benign. Review status: criteria provided, single submitter (1 of 4 stars). 2 submissions from 2 submitters: Likely benign (1). 1 of the submissions does not count toward it. Last evaluated 2025-04-01.

Conditions:
ALOX12B-related disorder. Also called: ALOX12B-related condition.

Allele frequency attached by ClinVar (database versions not stated): TOPMed 0.00001; ExAC 0.00002; gnomAD exomes 0.00002; gnomAD 0.00003.
gnomAD v4.1: 39 of 1,614,054 alleles (0.0024%); highest among the groups gnomAD compares: South Asian, 0.0033%; 1 homozygote.

Submissions (2):

CeGaT Center for Human Genetics Tuebingen
Classification: Likely benign. Last evaluated: 2025-04-01. Review status: criteria provided, single submitter. Criteria: CeGaT Center For Human Genetics Tuebingen Variant Classification Criteria Version 2. Collection method: clinical testing. Allele origin: germline. Affected: yes. Observed: 1 variant allele.
Comment: ALOX12B: BP4, BP7

PreventionGenetics, part of Exact Sciences
Classification: Likely benign for ALOX12B-related condition. Last evaluated: 2019-07-02. Review status: no assertion criteria provided. Collection method: clinical testing. Allele origin: germline. Not counted in ClinVar's aggregate classification.
Comment: This variant is classified as likely benign based on ACMG/AMP sequence variant interpretation guidelines (Richards et al. 2015 PMID: 25741868, with internal and published modifications).

NM_001139.3(ALOX12B):c.1431C>T (p.Asp477=)

Gene: ALOX12B (arachidonate 12-lipoxygenase, 12R type; minus strand). Cytogenetic location: 17p13.1.
Variant type: single nucleotide variant.
Coding change: c.1431C>T on transcript NM_001139.3 (MANE Select); coding-DNA position 1431, C replaced by T.
Protein change: p.Asp477=; no amino-acid change (aspartic acid 477 retained).
Molecular consequence: synonymous variant.
Genome position (GRCh38, 1-based): chr17:8,076,276, G>A on the plus strand (C>T on the coding strand, the complement: ALOX12B is on the minus strand). VCF-style: chr17-8076276-G-A. GRCh37 (hg19) VCF-style: chr17-7979594-G-A.
Identifiers: ClinVar variation 3043421 (VCV003043421.12), dbSNP rs778803243, ClinGen allele CA8367306.
Genomic context (GRCh38, chr17:8,076,276, plus strand): 5'-GTAATATCCAGGCAGGTCCTGGACCCCACGCTCCACAAAGTCATTGGGGAGGTAGAGGCT[G>A]TCATAGGTGAGCTCCGACAGAGCCCGTACCATCACCCCAGCAAAGCCTTCCACGCCCAGG-3'
Protein context (NP_001130.1, residues 467-487): MVRALSELTY[Asp477=]SLYLPNDFVE